The following is an entry in ClinVar:

NM_152296.5(ATP1A3):c.69T>C (p.Asp23=)

Gene: ATP1A3 (ATPase Na+/K+ transporting subunit alpha 3; minus strand). Cytogenetic location: 19q13.2.
Variant type: single nucleotide variant.
Coding change: c.69T>C on transcript NM_152296.5 (MANE Select); coding-DNA position 69, T replaced by C.
Protein change: p.Asp23=; no amino-acid change (aspartic acid 23 retained).
Molecular consequence: synonymous variant.
Genome position (GRCh38, 1-based): chr19:41,988,500, A>G on the plus strand (T>C on the coding strand, the complement: ATP1A3 is on the minus strand). VCF-style: chr19-41988500-A-G. GRCh37 (hg19) VCF-style: chr19-42492652-A-G.
Other names: c.108T>C (NM_001256214.1); c.102T>C, p.Asp34= (NM_001256213.2); c.108T>C, p.Asp36= (NM_001256214.2).
Identifiers: ClinVar variation 1089046 (VCV001089046.11), dbSNP rs1178257393, ClinGen allele CA507592700.
Genomic context (GRCh38, chr19:41,988,500, plus strand): 5'-CTCTGGGAGGGTGTGCGGGCAGAGGGCGAGGCTTACCATAGCCACCTCCTTCTTGAGGTC[A>G]TCCAGGTCCCGGCGCTCCTTGCCCTTGTTCTTCTTGGGTGAGTCCTTGTCATCTTTCTTG-3'
Protein context (NP_689509.1, residues 13-33): KNKGKERRDL[Asp23=]DLKKEVAMTE

ClinVar aggregate classification (germline): Likely benign. Review status: criteria provided, single submitter (1 of 4 stars). 2 submissions from 2 submitters: Likely benign (1). 1 of the submissions does not count toward it. Last evaluated 2022-12-06.

Conditions:
ATP1A3-related disorder. Also called: ATP1A3-related disorders; ATP1A3-related condition. Identifiers: MedGen CN381097.
Dystonia 12 (DYT12). Also called: Rapid-Onset Dystonia-Parkinsonism (RDP); DYT-ATP1A3. Identifiers: Orphanet 71517, MedGen C1868681, MONDO:0007496, OMIM 128235.

Allele frequency attached by ClinVar (database versions not stated): gnomAD exomes below 0.00001; gnomAD 0.00001; TOPMed 0.00001.
gnomAD v4.1: 36 of 1,614,070 alleles (0.0022%); highest among the groups gnomAD compares: Non-Finnish European, 0.0029%; no homozygotes.

Submissions (2):

Labcorp Genetics (formerly Invitae), Labcorp
Classification: Likely benign for Dystonia 12. Last evaluated: 2022-12-06. Review status: criteria provided, single submitter. Criteria: Invitae Variant Classification Sherloc (09022015). Collection method: clinical testing. Allele origin: germline.

PreventionGenetics, part of Exact Sciences
Classification: Likely benign for ATP1A3-related condition. Last evaluated: 2022-05-13. Review status: no assertion criteria provided. Collection method: clinical testing. Allele origin: germline. Not counted in ClinVar's aggregate classification.
Comment: This variant is classified as likely benign based on ACMG/AMP sequence variant interpretation guidelines (Richards et al. 2015 PMID: 25741868, with internal and published modifications).